The following is an entry in ClinVar:

NM_213599.3(ANO5):c.2377A>G (p.Thr793Ala)

Gene: ANO5 (anoctamin 5; plus strand). Cytogenetic location: 11p14.3.
Variant type: single nucleotide variant.
Coding change: c.2377A>G on transcript NM_213599.3 (MANE Select); coding-DNA position 2377, A replaced by G.
Protein change: p.Thr793Ala; replaces threonine 793 with alanine.
Molecular consequence: missense variant.
Genome position (GRCh38, 1-based): chr11:22,274,710, A>G. VCF-style: chr11-22274710-A-G. GRCh37 (hg19) VCF-style: chr11-22296256-A-G.
Other names: c.2374A>G, p.Thr792Ala (NM_001142649.2); c.2335A>G, p.Thr779Ala (NM_001410963.1); c.2332A>G, p.Thr778Ala (NM_001410964.1); short protein forms T793A, T779A, T792A, T778A.
Identifiers: ClinVar variation 2951250 (VCV002951250.3), dbSNP rs1854767183, ClinGen allele CA379924376.
Genomic context (GRCh38, chr11:22,274,710, plus strand): 5'-ATGACAGGATATGTGAATAATAGCCTGTCAGTATTCCTGATAGCTGATTTTCCAAACCAC[A>G]CTGCACCTTCGGAAAAACGAGACTTCATCACTTGCAGGTGATTTGTTTGTTTGTTTGTTT-3'
Protein context (NP_998764.1, residues 783-803): VFLIADFPNH[Thr793Ala]APSEKRDFIT

ClinVar aggregate classification (germline): Uncertain significance (1 of 4 stars; one submission).

Conditions:
Gnathodiaphyseal dysplasia (GDD). Also called: GNATHODIAPHYSEAL SCLEROSIS; OSTEOGENESIS IMPERFECTA WITH UNUSUAL SKELETAL LESIONS. Identifiers: Orphanet 53697, MedGen C1833736, MONDO:0008151, OMIM 166260.
Autosomal recessive limb-girdle muscular dystrophy type 2L (LGMDR12). Also called: MUSCULAR DYSTROPHY, LIMB-GIRDLE, AUTOSOMAL RECESSIVE 12; Limb-girdle muscular dystrophy, type 2L; Limb-Girdle Muscular Dystrophy R12 Anoctamin-5-Related (LGMD-R12). Identifiers: Orphanet 206549, MedGen C1969785, MONDO:0012652, OMIM 611307.

Submission:

Labcorp Genetics (formerly Invitae), Labcorp
Classification: Uncertain significance for Autosomal recessive limb-girdle muscular dystrophy type 2L; Gnathodiaphyseal dysplasia. Last evaluated: 2024-05-06. Review status: criteria provided, single submitter. Criteria: Invitae Variant Classification Sherloc (09022015). Collection method: clinical testing. Allele origin: germline.
Comment: This sequence change replaces threonine, which is neutral and polar, with alanine, which is neutral and non-polar, at codon 793 of the ANO5 protein (p.Thr793Ala). This variant is not present in population databases (gnomAD no frequency). This variant has not been reported in the literature in individuals affected with ANO5-related conditions. Advanced modeling of protein sequence and biophysical properties (such as structural, functional, and spatial information, amino acid conservation, physicochemical variation, residue mobility, and thermodynamic stability) performed at Invitae indicates that this missense variant is not expected to disrupt ANO5 protein function with a negative predictive value of 95%. In summary, the available evidence is currently insufficient to determine the role of this variant in disease. Therefore, it has been classified as a Variant of Uncertain Significance.